The following is an entry in ClinVar:

NM_001999.4(FBN2):c.6511+5G>A

Gene: FBN2 (fibrillin 2; minus strand). Cytogenetic location: 5q23.3.
Variant type: single nucleotide variant.
Coding change: c.6511+5G>A on transcript NM_001999.4 (MANE Select); 5 bases into the intron after coding-DNA position 6511, G replaced by A.
Molecular consequence: intron variant.
Genome position (GRCh38, 1-based): chr5:128,289,877, C>T on the plus strand (G>A on the coding strand, the complement: FBN2 is on the minus strand). VCF-style: chr5-128289877-C-T. GRCh37 (hg19) VCF-style: chr5-127625569-C-T.
Identifiers: ClinVar variation 137344 (VCV000137344.74), dbSNP rs200608284, ClinGen allele CA303025.

ClinVar aggregate classification (germline): Conflicting classifications of pathogenicity. Review status: criteria provided, conflicting classifications (1 of 4 stars). 16 submissions from 15 submitters: Uncertain significance (1); Benign (11); Likely benign (2). 2 of the submissions do not count toward it. Last evaluated 2026-09-01.

Conditions:
Connective tissue disorder. Also called: Connective tissue disease. Identifiers: MedGen C0009782, MONDO:0003900.
Congenital contractural arachnodactyly (CCA). Also called: BEALS SYNDROME; Beals-Hecht syndrome; Arthrogryposis, distal, type 9. Identifiers: Orphanet 115, MedGen C0220668, MONDO:0007363, OMIM 121050.
Macular degeneration, early-onset (EOMD). Identifiers: MedGen C4015286, MONDO:0014501, OMIM 616118.
Ehlers-Danlos syndrome (EDS). Identifiers: Orphanet 98249, MedGen C0013720, MONDO:0020066.
Familial thoracic aortic aneurysm and aortic dissection (TAAD). Also called: Thoracic aortic aneurysms and dissections. Identifiers: Orphanet 91387, MedGen C4707243, MONDO:0019625.

Allele frequency attached by ClinVar (database versions not stated): 1000 Genomes Project 0.00080; 1000 Genomes Project 30x 0.00109; TOPMed 0.00312; gnomAD 0.00341 and 0.00363; gnomAD exomes 0.00390; ESP Exome Variant Server 0.00423; ExAC 0.00497.
gnomAD v4.1: 6,877 of 1,540,266 alleles (0.45%); highest among the groups gnomAD compares: Non-Finnish European, 0.57%; 34 homozygotes.

Submissions (17):

CeGaT Center for Human Genetics Tuebingen
Classification: Likely benign. Last evaluated: 2026-09-01. Review status: criteria provided, single submitter. Criteria: CeGaT Center For Human Genetics Tuebingen Variant Classification Criteria Version 2. Collection method: clinical testing. Allele origin: germline. Affected: yes. Observed: 25 variant alleles.
Comment: FBN2: BP4, BS2

Labcorp Genetics (formerly Invitae), Labcorp
Classification: Benign for Congenital contractural arachnodactyly. Last evaluated: 2026-02-01. Review status: criteria provided, single submitter. Criteria: Invitae Variant Classification Sherloc (09022015). Collection method: clinical testing. Allele origin: germline.

ARUP Laboratories, Molecular Genetics and Genomics, ARUP Laboratories
Classification: Benign. Last evaluated: 2025-05-26. Review status: criteria provided, single submitter. Criteria: ARUP Molecular Germline Variant Investigation Process 2024. Collection method: clinical testing. Allele origin: germline.

Blueprint Genetics
Classification: Likely benign. Last evaluated: 2024-11-23. Review status: criteria provided, single submitter. Criteria: ACMG Guidelines, 2015. Collection method: clinical testing. Allele origin: germline.

Genome Diagnostics Laboratory, The Hospital for Sick Children
Classification: Benign for Ehlers-Danlos syndrome. Last evaluated: 2022-06-03. Review status: criteria provided, single submitter. Criteria: ACMG Guidelines, 2015. Collection method: clinical testing. Allele origin: germline.

Genome Diagnostics Laboratory, The Hospital for Sick Children
Classification: Benign for Connective tissue disorder. Last evaluated: 2021-02-18. Review status: criteria provided, single submitter. Criteria: ACMG Guidelines, 2015. Collection method: clinical testing. Allele origin: germline.

Illumina Laboratory Services, Illumina
Classification: Benign for Congenital contractural arachnodactyly. Last evaluated: 2018-01-12. Review status: criteria provided, single submitter. Criteria: ICSL Variant Classification Criteria 13 December 2019. Collection method: clinical testing. Allele origin: germline.
Comment: This variant was observed in the ICSL laboratory as part of a predisposition screen in an ostensibly healthy population. It had not been previously curated by ICSL or reported in the Human Gene Mutation Database (HGMD: prior to June 1st, 2018), and was therefore a candidate for classification through an automated scoring system. Utilizing variant allele frequency, disease prevalence and penetrance estimates, and inheritance mode, an automated score was calculated to assess if this variant is too frequent to cause the disease. Based on the score and internal cut-off values, a variant classified as benign is not then subjected to further curation. The score for this variant resulted in a classification of benign for this disease.

Women's Health and Genetics/Laboratory Corporation of America, LabCorp
Classification: Benign. Last evaluated: 2017-03-22. Review status: criteria provided, single submitter. Criteria: LabCorp Variant Classification Summary - May 2015. Collection method: clinical testing. Allele origin: germline.
Comment: Variant summary: The FBN2 c.6511+5G>A variant involves the alteration of a non-conserved intronic nucleotide. One in silico tool predicts a benign outcome for this variant. 5/5 splice prediction tools predict no significant impact on normal splicing and ESE Finder predicts no significant effect on ESE sites at the locus. However, these predictions have yet to be confirmed by functional studies. This variant was found in ExAC at a frequency of 0.0049729 (549/110398 control chromosomes [2 homozygotes]), which is approximately 3978 times the estimated maximal expected allele frequency of a pathogenic FBN2 variant (0.0000013), suggesting this variant is likely a benign polymorphism. In addition, multiple clinical diagnostic laboratories/reputable databases classified this variant as benign. To our knowledge, the variant of interest has not been reported in affected individuals via publications, nor has it been evaluated for functional impact by in vivo/vitro studies. Taken together, this variant is classified as benign.

Ambry Genetics
Classification: Benign for Familial thoracic aortic aneurysm and aortic dissection. Last evaluated: 2015-06-04. Review status: criteria provided, single submitter. Criteria: Ambry Variant Classification Scheme 2023. Collection method: clinical testing. Allele origin: germline.

Mayo Clinic Laboratories, Mayo Clinic
Classification: Benign. Last evaluated: 2015-04-20. Review status: criteria provided, single submitter. Criteria: ACMG Guidelines, 2015. Collection method: clinical testing. Allele origin: germline. Observed: 13 variant alleles.

Eurofins Ntd Llc (ga)
Classification: Benign. Last evaluated: 2014-09-05. Review status: criteria provided, single submitter. Criteria: EGL Classification Definitions 2015. Collection method: clinical testing. Allele origin: germline. Observed: 1 variant allele, 1 heterozygote.

GeneDx
Classification: Benign. Last evaluated: 2014-03-15. Review status: criteria provided, single submitter. Criteria: GeneDx Variant Classification (06012015). Collection method: clinical testing. Allele origin: germline. Affected: yes.
Comment: This variant is considered likely benign or benign based on one or more of the following criteria: it is a conservative change, it occurs at a poorly conserved position in the protein, it is predicted to be benign by multiple in silico algorithms, and/or has population frequency not consistent with disease.

Center for Genomics, Ann and Robert H. Lurie Children's Hospital of Chicago
Classification: Uncertain significance for Macular degeneration, early-onset; Congenital contractural arachnodactyly. Review status: criteria provided, single submitter. Criteria: ACMG Guidelines, 2015. Collection method: clinical testing. Allele origin: germline.
Comment: FBN2 NM_001999 exon 51 c.6511+5G>A: This variant has not been reported in the literature but is present in 0.7% (894/125710) of European individuals including 3 homozygotes in the Genome Aggregation Database. This variant is present in ClinVar, with several labs classifying this variant as likely benign or benign (Variation ID:137344). Evolutionary conservation and computational predictive tools for this variant are limited or unavailable. This variant is an intronic variant with no predicted change in the amino acid sequence but may have an unknown effect on splicing. Further studies are needed to understand its impact. In summary, data on this variant is insufficient for disease classification. Therefore, the clinical significance of this variant is uncertain.

PreventionGenetics, part of Exact Sciences
Classification: Benign. Review status: criteria provided, single submitter. Criteria: ACMG Guidelines, 2015. Collection method: clinical testing. Allele origin: germline.

Dr. Peter K. Rogan Lab, Western University
No classification provided (evidence only). Condition: Clear cell carcinoma of kidney. Review status: no classification provided. Collection method: in vitro. Allele origin: not applicable. Functional consequence: retained intron. Not counted in ClinVar's aggregate classification.

Genome Diagnostics Laboratory, University Medical Center Utrecht
Classification: Likely benign. Review status: no assertion criteria provided. Collection method: clinical testing. Allele origin: germline. Affected: yes. Study: VKGL Data-share Consensus. Not counted in ClinVar's aggregate classification.

Laboratory of Diagnostic Genome Analysis, Leiden University Medical Center (LUMC)
Classification: Likely benign. Review status: no assertion criteria provided. Collection method: clinical testing. Allele origin: germline. Affected: yes. Study: VKGL Data-share Consensus. Not counted in ClinVar's aggregate classification.